The following is an entry in ClinVar:

NM_000179.3(MSH6):c.2796C>T (p.Gly932=)

Gene: MSH6 (mutS homolog 6; plus strand). Cytogenetic location: 2p16.3.
Variant type: single nucleotide variant.
Coding change: c.2796C>T on transcript NM_000179.3 (MANE Select); coding-DNA position 2796, C replaced by T.
Protein change: p.Gly932=; no amino-acid change (glycine 932 retained).
Molecular consequence: synonymous variant.
Genome position (GRCh38, 1-based): chr2:47,800,779, C>T. VCF-style: chr2-47800779-C-T. GRCh37 (hg19) VCF-style: chr2-48027918-C-T.
Other names: c.2406C>T, p.Gly802= (NM_001281492.2); c.1890C>T, p.Gly630= (NM_001281493.2, NM_001281494.2).
Identifiers: ClinVar variation 428439 (VCV000428439.16), dbSNP rs774105284, ClinGen allele CA426121721.
Genomic context (GRCh38, chr2:47,800,779, plus strand): 5'-GGATACAGCCTTTGACCATGAAAAGGCTCGAAAGACTGGACTTATTACTCCCAAAGCAGG[C>T]TTTGACTCTGATTATGACCAAGCTCTTGCTGACATAAGAGAAAATGAACAGAGCCTCCTG-3'
Protein context (NP_000170.1, residues 922-942): RKTGLITPKA[Gly932=]FDSDYDQALA

ClinVar aggregate classification (germline): Benign/Likely benign. Review status: criteria provided, multiple submitters, no conflicts (2 of 4 stars). 4 submissions from 4 submitters: Benign (1); Likely benign (3). Last evaluated 2025-01-03.

Conditions:
Hereditary cancer-predisposing syndrome. Also called: Hereditary Cancer Syndrome; Neoplastic Syndromes, Hereditary; Hereditary neoplastic syndrome; Tumor predisposition. Identifiers: Orphanet 140162, MedGen C0027672, MeSH D009386, MONDO:0015356.
Lynch syndrome 5 (LYNCH5). Also called: Hereditary non-polyposis colorectal cancer, type 5; Colorectal cancer, hereditary nonpolyposis, type 5. Identifiers: Orphanet 144, MedGen C1833477, MONDO:0013710, OMIM 614350. Disease mechanism: loss of function.
Hereditary nonpolyposis colorectal neoplasms. Identifiers: MedGen C0009405, MeSH D003123.

Submissions (4):

Myriad Genetics, Inc.
Classification: Benign for Lynch syndrome 5. Last evaluated: 2025-01-03. Review status: criteria provided, single submitter. Criteria: Myriad Autosomal Dominant, Autosomal Recessive and X-Linked Classification Criteria (2023). Collection method: clinical testing. Allele origin: unknown.
Comment: This variant is considered benign. This variant is a silent/synonymous amino acid change and it is not expected to impact splicing.

Labcorp Genetics (formerly Invitae), Labcorp
Classification: Likely benign for Hereditary nonpolyposis colorectal neoplasms. Last evaluated: 2023-06-24. Review status: criteria provided, single submitter. Criteria: Invitae Variant Classification Sherloc (09022015). Collection method: clinical testing. Allele origin: germline.

Women's Health and Genetics/Laboratory Corporation of America, LabCorp
Classification: Likely benign. Last evaluated: 2019-08-29. Review status: criteria provided, single submitter. Criteria: LabCorp Variant Classification Summary - May 2015. Collection method: clinical testing. Allele origin: germline.

Ambry Genetics
Classification: Likely benign for Hereditary cancer-predisposing syndrome. Last evaluated: 2016-08-26. Review status: criteria provided, single submitter. Criteria: Ambry Variant Classification Scheme 2023. Collection method: clinical testing. Allele origin: germline.